The following is an entry in ClinVar:

ClinVar aggregate classification (germline): Uncertain significance (1 of 4 stars; one submission).

Conditions:
ALMS1-related disorder. Also called: ALMS1-related condition.

Submission:

PreventionGenetics, part of Exact Sciences
Classification: Uncertain significance for ALMS1-related condition. Last evaluated: 2026-06-02. Review status: criteria provided, single submitter. Criteria: ACMG Guidelines, 2015. Collection method: clinical testing. Allele origin: germline.
Comment: The ALMS1 c.686T>C variant is predicted to result in the amino acid substitution p.Leu229Pro. To our knowledge, this variant has not been reported in the literature. This variant is reported in 0.0029% of alleles in individuals of Latino descent in gnomAD. At this time, the clinical significance of this variant is uncertain due to the absence of conclusive functional and genetic evidence.

NM_001378454.1(ALMS1):c.683T>C (p.Leu228Ser)

Gene: ALMS1 (ALMS1 centrosome and basal body associated protein; plus strand). Cytogenetic location: 2p13.1.
Variant type: single nucleotide variant.
Coding change: c.683T>C on transcript NM_001378454.1 (MANE Select); coding-DNA position 683, T replaced by C.
Protein change: p.Leu228Ser; replaces leucine 228 with serine.
Molecular consequence: missense variant.
Genome position (GRCh38, 1-based): chr2:73,422,893, T>C. VCF-style: chr2-73422893-T-C. GRCh37 (hg19) VCF-style: chr2-73650021-T-C.
Other names: c.686T>C, p.Leu229Ser (NM_015120.4); short protein forms L229S, L228S.
Identifiers: ClinVar variation 4980017 (VCV004980017.1).